The following is an entry in ClinVar:

ClinVar aggregate classification (germline): Likely pathogenic (1 of 4 stars; one submission).

Conditions:
Pyridoxine-dependent epilepsy (EPEO4). Also called: Pyridoxine-Dependent Seizures; Pyridoxine-Dependent Epilepsy - ALDH7A1; PYRIDOXINE DEPENDENCY WITH SEIZURES; EPILEPSY, EARLY-ONSET, 4, VITAMIN B6-DEPENDENT. Identifiers: Orphanet 3006, MedGen C1849508, MONDO:0009945, OMIM 266100. Disease mechanism: loss of function.

Submission:

Labcorp Genetics (formerly Invitae), Labcorp
Classification: Likely pathogenic for Pyridoxine-dependent epilepsy. Last evaluated: 2020-04-24. Review status: criteria provided, single submitter. Criteria: Invitae Variant Classification Sherloc (09022015). Collection method: clinical testing. Allele origin: germline.
Comment: In summary, the currently available evidence indicates that the variant is pathogenic, but additional data are needed to prove that conclusively. Therefore, this variant has been classified as Likely Pathogenic. This variant disrupts the p.Asn300 amino acid residue in ALDH7A1. Other variant(s) that disrupt this residue have been determined to be pathogenic (Invitae). This suggests that this residue is clinically significant, and that variants that disrupt this residue are likely to be disease-causing. This variant has not been reported in the literature in individuals with ALDH7A1-related conditions. This variant is an in-frame deletion of the genomic region encompassing exon 10 of the ALDH7A1 gene. It preserves the integrity of the reading frame.

NC_000005.9:g.(?_125896755)_(125896836_?)del

Gene: ALDH7A1 (aldehyde dehydrogenase 7 family member A1; minus strand). Cytogenetic location: 5q23.2.
Variant type: Deletion.
Identifiers: ClinVar variation 1066900 (VCV001066900.8).